The following is an entry in ClinVar:

NC_012920.1(MT-ATP6):m.9073A>C

Gene: MT-ATP6 (mitochondrially encoded ATP synthase 6; plus strand).
Variant type: single nucleotide variant.
Genome position: chrM-9073-A-C.
Identifiers: ClinVar variation 693076 (VCV000693076.1), dbSNP rs1556423603, ClinGen allele CA414802112.

ClinVar aggregate classification (germline): Uncertain significance (1 of 4 stars; one submission).

Conditions:
Leigh syndrome (NULS). Also called: Leigh's necrotizing encephalopathy; Leigh's disease; Leigh Syndrome (mtDNA deletion); Leigh Disease; Subacute necrotizing encephalopathy; Necrotizing encephalopathy infantile subacute of Leigh. Identifiers: Orphanet 506, MedGen C2931891, MONDO:0009723, OMIM 256000.

Submission:

Wong Mito Lab, Molecular and Human Genetics, Baylor College of Medicine
Classification: Uncertain significance for Leigh syndrome. Last evaluated: 2019-10-17. Review status: criteria provided, single submitter. Criteria: Modified ACMG Guidelines (Unpublished). Collection method: clinical testing. Allele origin: germline.
Comment: The NC_012920.1:m.9073A>C (YP_003024031.1:p.Thr183Pro) variant in MTATP6 gene is interpretated to be a Uncertain Significance variant based on the modified ACMG guidelines (unpublished). This variant meets the following evidence codes: PP3, PP7